The following is an entry in ClinVar:

NM_007167.4(ZMYM6):c.2912A>C (p.Asn971Thr)

Gene: ZMYM6 (zinc finger MYM-type containing 6; minus strand). Cytogenetic location: 1p34.3.
Variant type: single nucleotide variant.
Coding change: c.2912A>C on transcript NM_007167.4 (MANE Select); coding-DNA position 2912, A replaced by C.
Protein change: p.Asn971Thr; replaces asparagine 971 with threonine.
Molecular consequence: missense variant.
Genome position (GRCh38, 1-based): chr1:34,988,170, T>G on the plus strand (A>C on the coding strand, the complement: ZMYM6 is on the minus strand). VCF-style: chr1-34988170-T-G. GRCh37 (hg19) VCF-style: chr1-35453771-T-G.
Other names: short protein forms N971T.
Identifiers: ClinVar variation 3043412 (VCV003043412.3), dbSNP rs61743186, ClinGen allele CA756249.

ClinVar aggregate classification (germline): Likely benign. Review status: criteria provided, single submitter (1 of 4 stars). 2 submissions from 2 submitters: Likely benign (1). 1 of the submissions does not count toward it. Last evaluated 2024-11-19.

Conditions:
ZMYM6-related disorder. Also called: ZMYM6-related condition.

Allele frequency attached by ClinVar (database versions not stated): 1000 Genomes Project 0.00200; 1000 Genomes Project 30x 0.00219; ExAC 0.00242; gnomAD 0.00333; TOPMed 0.00367; ESP Exome Variant Server 0.00392; gnomAD exomes 0.00468.

Submissions (2):

Blueprint Genetics
Classification: Likely benign. Last evaluated: 2024-11-19. Review status: criteria provided, single submitter. Criteria: ACMG Guidelines, 2015. Collection method: clinical testing. Allele origin: germline.

PreventionGenetics, part of Exact Sciences
Classification: Likely benign for ZMYM6-related condition. Last evaluated: 2019-03-05. Review status: no assertion criteria provided. Collection method: clinical testing. Allele origin: germline. Not counted in ClinVar's aggregate classification.
Comment: This variant is classified as likely benign based on ACMG/AMP sequence variant interpretation guidelines (Richards et al. 2015 PMID: 25741868, with internal and published modifications).